The following is an entry in ClinVar:

NM_019892.6(INPP5E):c.1521C>G (p.His507Gln)

Gene: INPP5E (inositol polyphosphate-5-phosphatase E; minus strand). Cytogenetic location: 9q34.3.
Variant type: single nucleotide variant.
Coding change: c.1521C>G on transcript NM_019892.6 (MANE Select); coding-DNA position 1521, C replaced by G.
Protein change: p.His507Gln; replaces histidine 507 with glutamine.
Molecular consequence: missense variant.
Genome position (GRCh38, 1-based): chr9:136,431,852, G>C on the plus strand (C>G on the coding strand, the complement: INPP5E is on the minus strand). VCF-style: chr9-136431852-G-C. GRCh37 (hg19) VCF-style: chr9-139326304-G-C.
Other names: c.1521C>G (NM_019892.5); c.1518C>G, p.His506Gln (NM_001318502.2); short protein forms H507Q, H506Q.
Identifiers: ClinVar variation 2194117 (VCV002194117.2), dbSNP rs10870188, ClinGen allele CA5336764.

ClinVar aggregate classification (germline): Uncertain significance. Review status: criteria provided, multiple submitters, no conflicts (2 of 4 stars). 2 submissions from 2 submitters: Uncertain significance (2). Last evaluated 2025-09-03.

Conditions:
INPP5E-related disorder. Also called: INPP5E-related condition.
Joubert syndrome. Also called: JOUBERT-BOLTSHAUSER SYNDROME; Familial aplasia of the vermis. Identifiers: Orphanet 475, MedGen C5979921, MONDO:0018772.

gnomAD v4.1: 34 of 1,585,432 alleles (0.0021%); highest among the groups gnomAD compares: African/African-American, 0.0028%; no homozygotes.

Submissions (2):

PreventionGenetics, part of Exact Sciences
Classification: Uncertain significance for INPP5E-related condition. Last evaluated: 2025-09-03. Review status: criteria provided, single submitter. Criteria: ACMG Guidelines, 2015. Collection method: clinical testing. Allele origin: germline.
Comment: The INPP5E c.1521C>G variant is predicted to result in the amino acid substitution p.His507Gln. To our knowledge, this variant has not been reported in the literature. This variant is reported in 0.0041% of alleles in individuals of African descent in gnomAD. At this time, the clinical significance of this variant is uncertain due to the absence of conclusive functional and genetic evidence.

Labcorp Genetics (formerly Invitae), Labcorp
Classification: Uncertain significance for Joubert syndrome. Last evaluated: 2022-10-05. Review status: criteria provided, single submitter. Criteria: Invitae Variant Classification Sherloc (09022015). Collection method: clinical testing. Allele origin: germline.
Comment: This sequence change replaces histidine, which is basic and polar, with glutamine, which is neutral and polar, at codon 507 of the INPP5E protein (p.His507Gln). This variant is present in population databases (rs10870188, gnomAD 0.004%). This variant has not been reported in the literature in individuals affected with INPP5E-related conditions. Advanced modeling of protein sequence and biophysical properties (such as structural, functional, and spatial information, amino acid conservation, physicochemical variation, residue mobility, and thermodynamic stability) performed at Invitae indicates that this missense variant is not expected to disrupt INPP5E protein function. In summary, the available evidence is currently insufficient to determine the role of this variant in disease. Therefore, it has been classified as a Variant of Uncertain Significance.